The following is an entry in ClinVar:

ClinVar aggregate classification (germline): Uncertain significance. Review status: criteria provided, multiple submitters, no conflicts (2 of 4 stars). 3 submissions from 3 submitters: Uncertain significance (3). Last evaluated 2024-05-27.

Conditions:
Familial isolated deficiency of vitamin E (AVED). Also called: ATAXIA, FRIEDREICH-LIKE, WITH SELECTIVE VITAMIN E DEFICIENCY; Ataxia with isolated vitamin E deficiency. Identifiers: Orphanet 96, MedGen C1848533, MONDO:0010188, OMIM 277460.

gnomAD v4.1: 3 of 1,613,534 alleles (0.00019%); highest among the groups gnomAD compares: Admixed American, 0.0033%; no homozygotes.

Submissions (3):

Blueprint Genetics
Classification: Uncertain significance. Last evaluated: 2024-05-27. Review status: criteria provided, single submitter. Criteria: ACMG Guidelines, 2015. Collection method: clinical testing. Allele origin: germline.

Mayo Clinic Laboratories, Mayo Clinic
Classification: Uncertain significance. Last evaluated: 2023-07-18. Review status: criteria provided, single submitter. Criteria: ACMG Guidelines, 2015. Collection method: clinical testing. Allele origin: germline. Observed: 1 variant allele.
Comment: PM2_moderate

Department of Pathology and Laboratory Medicine, Sinai Health System
Classification: Uncertain significance for Familial isolated deficiency of vitamin E. Last evaluated: 2021-07-30. Review status: criteria provided, single submitter. Criteria: ACMG Guidelines, 2015. Collection method: research. Allele origin: germline.

NM_000370.3(TTPA):c.259C>G (p.Leu87Val)

Gene: TTPA (alpha tocopherol transfer protein; minus strand). Cytogenetic location: 8q12.3.
Variant type: single nucleotide variant.
Coding change: c.259C>G on transcript NM_000370.3 (MANE Select); coding-DNA position 259, C replaced by G.
Protein change: p.Leu87Val; replaces leucine 87 with valine.
Molecular consequence: missense variant. On other transcripts: non-coding transcript variant (2), intron variant (2).
Genome position (GRCh38, 1-based): chr8:63,073,034, G>C on the plus strand (C>G on the coding strand, the complement: TTPA is on the minus strand). VCF-style: chr8-63073034-G-C. GRCh37 (hg19) VCF-style: chr8-63985593-G-C.
Other names: p.Leu87Val; c.259C>G, p.Leu87Val (NM_001413415.1, NM_001413416.1, NM_001413418.1); c.205-11609C>G (NM_001413417.1); c.205-8718C>G (NM_001413414.1); short protein forms L87V.
Identifiers: ClinVar variation 3379822 (VCV003379822.3).